The following is an entry in ClinVar:

NM_001165963.4(SCN1A):c.693A>G (p.Pro231=)

Gene: SCN1A (sodium voltage-gated channel alpha subunit 1; minus strand). Cytogenetic location: 2q24.3.
Variant type: single nucleotide variant.
Coding change: c.693A>G on transcript NM_001165963.4 (MANE Select); coding-DNA position 693, A replaced by G.
Protein change: p.Pro231=; no amino-acid change (proline 231 retained).
Molecular consequence: synonymous variant. On other transcripts: 5 prime UTR variant (1), non-coding transcript variant (1).
Genome position (GRCh38, 1-based): chr2:166,052,853, T>C on the plus strand (A>G on the coding strand, the complement: SCN1A is on the minus strand). VCF-style: chr2-166052853-T-C. GRCh37 (hg19) VCF-style: chr2-166909363-T-C.
Other names: c.693A>G, p.Pro231= (NM_001165964.3, NM_001202435.3, NM_001353948.2 and 10 more transcripts); c.-1733A>G (NM_001353961.2).
Identifiers: ClinVar variation 2032230 (VCV002032230.4), dbSNP rs2468232495, ClinGen allele CA429903366.
Genomic context (GRCh38, chr2:166,052,853, plus strand): 5'-GCAGAGAAGGATGCTGAATCACATGATGGGTCCGTCTCATTATCTAACCTTGCTCTCACC[T>C]GGAATGACTGAAATCGTCTTCAATGCTCGGAGAACTCTGAATGTTCTCAATGCCGAGACA-3'
Protein context (NP_001159435.1, residues 221-241): LRALKTISVI[Pro231=]GLKTIVGALI

ClinVar aggregate classification (germline): Pathogenic (1 of 4 stars; one submission).

Conditions:
Early-infantile DEE. Also called: Ohtahara syndrome; Early infantile epileptic encephalopathy with suppression bursts; Early infantile epileptic encephalopathy. Identifiers: Orphanet 1934, MedGen C0393706, MONDO:0800491.

Submission:

Labcorp Genetics (formerly Invitae), Labcorp
Classification: Pathogenic for Early-infantile DEE. Last evaluated: 2023-02-14. Review status: criteria provided, single submitter. Criteria: Invitae Variant Classification Sherloc (09022015). Collection method: clinical testing. Allele origin: germline.
Comment: This variant has been observed in individual(s) with SCN1A-related conditions (Invitae). In at least one individual the variant was observed to be de novo. Algorithms developed to predict the effect of sequence changes on RNA splicing suggest that this variant may create or strengthen a splice site. For these reasons, this variant has been classified as Pathogenic. This sequence change affects codon 231 of the SCN1A mRNA. It is a 'silent' change, meaning that it does not change the encoded amino acid sequence of the SCN1A protein. It affects a nucleotide within the consensus splice site. This variant is not present in population databases (gnomAD no frequency).